The following is an entry in ClinVar:

ClinVar aggregate classification (germline): Pathogenic/Likely pathogenic. Review status: criteria provided, multiple submitters, no conflicts (2 of 4 stars). 2 submissions from 2 submitters: Pathogenic (1); Likely pathogenic (1). Last evaluated 2026-02-11.

Conditions:
JAG1-related disorder. Also called: JAG1-related condition; JAG1-related disorders.

Submissions (2):

PreventionGenetics, part of Exact Sciences
Classification: Pathogenic for JAG1-related condition. Last evaluated: 2026-02-11. Review status: criteria provided, single submitter. Criteria: ACMG Guidelines, 2015. Collection method: clinical testing. Allele origin: germline.
Comment: The JAG1 c.694+1G>A variant is predicted to disrupt the GT donor site and interfere with normal splicing. This variant has been reported as an inherited finding in an individual with Alagille syndrome (Supplemental Table 1, Fang et al. 2021. PubMed ID: 33763395). This variant has not been reported in a large population database (gnomAD), indicating this variant is rare. Other variants impacting this splice site (c.694+1G>C and c.694+1G>T) have been reported in individuals with Alagille syndrome (Vazquez-Martinez et al. 2014. PubMed ID: 25606387; Guegan et al. 2012. PubMed ID: 21752016). This variant is interpreted as pathogenic.

GeneDx
Classification: Likely pathogenic. Last evaluated: 2023-09-21. Review status: criteria provided, single submitter. Criteria: GeneDx Variant Classification Process June 2021. Collection method: clinical testing. Allele origin: germline. Affected: yes.
Comment: Canonical splice site variant predicted to result in an in-frame loss of the adjacent exon in a gene for which loss of function is a known mechanism of disease; Not observed at significant frequency in large population cohorts (gnomAD); This variant is associated with the following publications: (PMID: 33763395)

NM_000214.3(JAG1):c.694+1G>A

Gene: JAG1 (jagged canonical Notch ligand 1; minus strand). Cytogenetic location: 20p12.2.
Variant type: single nucleotide variant.
Coding change: c.694+1G>A on transcript NM_000214.3 (MANE Select); the canonical splice donor site of the intron after coding-DNA position 694, G replaced by A.
Molecular consequence: splice donor variant.
Genome position (GRCh38, 1-based): chr20:10,658,467, C>T on the plus strand (G>A on the coding strand, the complement: JAG1 is on the minus strand). VCF-style: chr20-10658467-C-T. GRCh37 (hg19) VCF-style: chr20-10639115-C-T.
Identifiers: ClinVar variation 234319 (VCV000234319.5), dbSNP rs876660979, ClinGen allele CA10577620.